The following is an entry in ClinVar:

NM_001384474.1(LOXHD1):c.2971A>G (p.Lys991Glu)

Gene: LOXHD1 (lipoxygenase homology PLAT domains 1; minus strand). Cytogenetic location: 18q21.1.
Variant type: single nucleotide variant.
Coding change: c.2971A>G on transcript NM_001384474.1 (MANE Select); coding-DNA position 2971, A replaced by G.
Protein change: p.Lys991Glu; replaces lysine 991 with glutamic acid.
Molecular consequence: missense variant.
Genome position (GRCh38, 1-based): chr18:46,560,173, T>C on the plus strand (A>G on the coding strand, the complement: LOXHD1 is on the minus strand). VCF-style: chr18-46560173-T-C. GRCh37 (hg19) VCF-style: chr18-44140136-T-C.
Other names: c.2971A>G, p.Lys991Glu (NM_144612.7); short protein forms K991E.
Identifiers: ClinVar variation 2109731 (VCV002109731.4), dbSNP rs770660067, ClinGen allele CA8952590.

ClinVar aggregate classification (germline): Uncertain significance (1 of 4 stars; one submission).

Allele frequency attached by ClinVar (database versions not stated): gnomAD exomes 0.00001; ExAC 0.00005.
gnomAD v4.1: 8 of 1,551,400 alleles (0.00052%); highest among the groups gnomAD compares: South Asian, 0.0095%; no homozygotes.

Submission:

Labcorp Genetics (formerly Invitae), Labcorp
Classification: Uncertain significance. Last evaluated: 2025-07-07. Review status: criteria provided, single submitter. Criteria: Invitae Variant Classification Sherloc (09022015). Collection method: clinical testing. Allele origin: germline.
Comment: This sequence change replaces lysine, which is basic and polar, with glutamic acid, which is acidic and polar, at codon 991 of the LOXHD1 protein (p.Lys991Glu). This variant is present in population databases (rs770660067, gnomAD 0.004%). This variant has not been reported in the literature in individuals affected with LOXHD1-related conditions. ClinVar contains an entry for this variant (Variation ID: 2109731). An algorithm developed to predict the effect of missense changes on protein structure and function (PolyPhen-2) suggests that this variant is likely to be tolerated. In summary, the available evidence is currently insufficient to determine the role of this variant in disease. Therefore, it has been classified as a Variant of Uncertain Significance.